The following is an entry in ClinVar:

NM_001904.4(CTNNB1):c.1624C>T (p.Arg542Cys)

Genes: CTNNB1 (catenin beta 1; plus strand), LOC126806659 (BRD4-independent group 4 enhancer GRCh37_chr3:41274918-41276117; plus strand). Cytogenetic location: 3p22.1.
Variant type: single nucleotide variant.
Coding change: c.1624C>T on transcript NM_001904.4 (MANE Select); coding-DNA position 1624, C replaced by T.
Protein change: p.Arg542Cys; replaces arginine 542 with cysteine.
Molecular consequence: missense variant.
Genome position (GRCh38, 1-based): chr3:41,234,238, C>T. VCF-style: chr3-41234238-C-T. GRCh37 (hg19) VCF-style: chr3-41275729-C-T.
Other names: c.1603C>T, p.Arg535Cys (NM_001330729.2); c.1624C>T, p.Arg542Cys (NM_001098209.2, NM_001098210.2); c.1624C>T (NM_001904.3); short protein forms R535C, R542C.
Identifiers: ClinVar variation 1721703 (VCV001721703.7), dbSNP rs2125642043, ClinGen allele CA352234323.

ClinVar aggregate classification (germline): Uncertain significance. Review status: criteria provided, multiple submitters, no conflicts (2 of 4 stars). 2 submissions from 2 submitters: Uncertain significance (2). Last evaluated 2025-09-23.

Submissions (2):

Labcorp Genetics (formerly Invitae), Labcorp
Classification: Uncertain significance. Last evaluated: 2025-09-23. Review status: criteria provided, single submitter. Criteria: Invitae Variant Classification Sherloc (09022015). Collection method: clinical testing. Allele origin: germline.
Comment: This sequence change replaces arginine, which is basic and polar, with cysteine, which is neutral and slightly polar, at codon 542 of the CTNNB1 protein (p.Arg542Cys). This variant is not present in population databases (gnomAD no frequency). This variant has not been reported in the literature in individuals affected with CTNNB1-related conditions. ClinVar contains an entry for this variant (Variation ID: 1721703). Invitae Evidence Modeling of protein sequence and biophysical properties (such as structural, functional, and spatial information, amino acid conservation, physicochemical variation, residue mobility, and thermodynamic stability) indicates that this missense variant is expected to disrupt CTNNB1 protein function with a positive predictive value of 80%. In summary, the available evidence is currently insufficient to determine the role of this variant in disease. Therefore, it has been classified as a Variant of Uncertain Significance.

GeneDx
Classification: Uncertain significance. Last evaluated: 2024-05-29. Review status: criteria provided, single submitter. Criteria: GeneDx Variant Classification Process June 2021. Collection method: clinical testing. Allele origin: germline. Affected: yes.
Comment: Not observed at significant frequency in large population cohorts (gnomAD); In silico analysis supports that this missense variant has a deleterious effect on protein structure/function; Has not been previously published as pathogenic or benign to our knowledge